The following is an entry in ClinVar:

ClinVar aggregate classification (germline): Uncertain significance. Review status: reviewed by expert panel (3 of 4 stars). 5 submissions from 5 submitters: Uncertain significance (1). 4 of the submissions do not count toward it. Last evaluated 2026-10-12.

Conditions:
Anterior segment dysgenesis 6 (ASGD6). Also called: Anterior segment dysgenesis 6, multiple subtypes. Identifiers: MedGen C4310623, MONDO:0015016, OMIM 617315.
Glaucoma 3A. Also called: Glaucoma 3, primary congenital, A. Identifiers: Orphanet 98976, Orphanet 98977, MedGen C1856439, MONDO:0009277, OMIM 231300.
Congenital glaucoma. Identifiers: MedGen C0020302, MONDO:0020366.
CYP1B1-related glaucoma with or without anterior segment dysgenesis. Identifiers: MedGen CN375931, MONDO:0800472.
Primary congenital glaucoma. Also called: Primary congenital glaucoma (disease). Identifiers: MedGen C1533041, MONDO:0000365, HP:0008007.

Allele frequency attached by ClinVar (database versions not stated): gnomAD exomes below 0.00001; ExAC 0.00001.

Submissions (5):

ClinGen Glaucoma Variant Curation Expert Panel
Classification: Uncertain significance for CYP1B1-related glaucoma with or without anterior segment dysgenesis. Last evaluated: 2026-10-12. Review status: reviewed by expert panel. Criteria: ClinGen Glaucoma ACMG Specifications CYP1B1 V2.0. Collection method: curation. Allele origin: germline. Inheritance: Autosomal recessive inheritance.
Comment: The c.872A>G variant in CYP1B1 is a missense variant predicted to cause substitution of Aspartic acid by Glycine at amino acid 291 (p.Asp291Gly). The highest minor allele frequency of this variant was in the East Asian genetic ancestry group of gnomAD (v4.1) = 0.00004477 (2 alleles out of 44,676), which met the ≤ 0.0005 threshold set for PM2_Supporting in a genetic ancestry group of at least 2,000 alleles. The REVEL score = 0.869, which was within the 0.773-0.931 range for PP3_Moderate, predicting a damaging effect on CYP1B1 function. PS3_Supporting was not applied as the assays reported did not meet the OddsPath threshold (> 2.1) or the threshold for abnormal impact on protein function in the assay could not be determined (PMID: 27243976). This variant has been identified in three individuals with a CYP1B1-related phenotype. One of these individuals is compound heterozygous for the variant and a pathogenic or likely pathogenic variant (phase unknown). Two individuals are homozygous (1 non-consanguineous and 1 assumed consanguineous) (PMIDs: 17591938, Cao pers. com.). Total proband points = 1.25, meeting PM3. In summary, this variant met the criteria to receive a score of 5 and to be classified as a variant of uncertain significance (uncertain significance classification range -1 to 5, adapted from PMID: 32720330) for CYP1B1-related glaucoma with or without anterior segment dysgenesis (ASD) based on the ACMG/AMP criteria met, as specified by the ClinGen Glaucoma VCEP (v2.0, 16.07.2026): PM3, PP3_Moderate, PM2_Supporting.

Women's Health and Genetics/Laboratory Corporation of America, LabCorp
Classification: Likely pathogenic for Primary congenital glaucoma. Last evaluated: 2024-11-08. Review status: criteria provided, single submitter. Criteria: LabCorp Variant Classification Summary - May 2015. Collection method: clinical testing. Allele origin: germline. Not counted in ClinVar's aggregate classification.
Comment: Variant summary: CYP1B1 c.872A>G (p.Asp291Gly) results in a non-conservative amino acid change located in the Cytochrome P450 domain (IPR001128) of the encoded protein sequence. Five of five in-silico tools predict a damaging effect of the variant on protein function. The variant allele was found at a frequency of 8.5e-06 in 235888 control chromosomes. c.872A>G has been reported in the literature in at-least one individual affected with Primary Congenital Glaucoma (example, Chitsazian_2007). These data indicate that the variant may be associated with disease. At least one publication reports experimental evidence evaluating an impact on protein function. The most pronounced variant effect results in diminished activity in HEK 293T cells (Banerjee_2016). The following publications have been ascertained in the context of this evaluation (PMID: 27243976, 17591938). ClinVar contains an entry for this variant (Variation ID: 2681130). Based on the evidence outlined above, the variant was classified as likely pathogenic.

Baylor Genetics
Classification: Likely pathogenic for Anterior segment dysgenesis 6. Last evaluated: 2024-03-26. Review status: criteria provided, single submitter. Criteria: ACMG Guidelines, 2015. Collection method: clinical testing. Allele origin: unknown. Not counted in ClinVar's aggregate classification.

Labcorp Genetics (formerly Invitae), Labcorp
Classification: Pathogenic for Congenital glaucoma. Last evaluated: 2023-08-25. Review status: criteria provided, single submitter. Criteria: Invitae Variant Classification Sherloc (09022015). Collection method: clinical testing. Allele origin: germline. Not counted in ClinVar's aggregate classification.
Comment: This sequence change replaces aspartic acid, which is acidic and polar, with glycine, which is neutral and non-polar, at codon 291 of the CYP1B1 protein (p.Asp291Gly). Experimental studies have shown that this missense change affects CYP1B1 function (PMID: 27243976). For these reasons, this variant has been classified as Pathogenic. Advanced modeling of protein sequence and biophysical properties (such as structural, functional, and spatial information, amino acid conservation, physicochemical variation, residue mobility, and thermodynamic stability) performed at Invitae indicates that this missense variant is expected to disrupt CYP1B1 protein function. This variant is also known as g.4677A>G (D291G). This missense change has been observed in individual(s) with primary congenital glaucoma (PMID: 17591938, 18852424). This variant is present in population databases (rs72480439, gnomAD 0.01%).

Juno Genomics, Hangzhou Juno Genomics, Inc
Classification: Likely pathogenic for Anterior segment dysgenesis 6; Glaucoma 3A. Review status: criteria provided, single submitter. Criteria: ACMG Guidelines, 2015. Collection method: clinical testing. Allele origin: germline. Affected: yes. Not counted in ClinVar's aggregate classification.
Comment: Absent from controls (or at extremely low frequency if recessive) in Genome Aggregation Database.;Multiple lines of computational evidence support a deleterious effect on the gene or gene product.;For recessive disorders, detected in trans with a pathogenic variant.;Patient's phenotype or family history is highly specific for a disease with a single genetic etiology.

Literature cited by the submitters: PubMed 27243976 (cited by Women's Health and Genetics/Laboratory Corporation of America, LabCorp and Labcorp Genetics (formerly Invitae), Labcorp); PubMed 17591938 (cited by Women's Health and Genetics/Laboratory Corporation of America, LabCorp and Labcorp Genetics (formerly Invitae), Labcorp); PubMed 18852424 (cited by Labcorp Genetics (formerly Invitae), Labcorp).

NM_000104.4(CYP1B1):c.872A>G (p.Asp291Gly)

Gene: CYP1B1 (cytochrome P450 family 1 subfamily B member 1; minus strand). Cytogenetic location: 2p22.2.
Variant type: single nucleotide variant.
Coding change: c.872A>G on transcript NM_000104.4 (MANE Select); coding-DNA position 872, A replaced by G.
Protein change: p.Asp291Gly; replaces aspartic acid 291 with glycine.
Molecular consequence: missense variant.
Genome position (GRCh38, 1-based): chr2:38,074,517, T>C on the plus strand (A>G on the coding strand, the complement: CYP1B1 is on the minus strand). VCF-style: chr2-38074517-T-C. GRCh37 (hg19) VCF-style: chr2-38301660-T-C.
Other names: short protein forms D291G.
Identifiers: ClinVar variation 2681130 (VCV002681130.9), dbSNP rs72480439, ClinGen allele CA1619946.